The following is an entry in ClinVar:

ClinVar aggregate classification (germline): Pathogenic/Likely pathogenic. Review status: criteria provided, multiple submitters, no conflicts (2 of 4 stars). 2 submissions from 2 submitters: Pathogenic (1); Likely pathogenic (1). Last evaluated 2023-05-26.

Conditions:
Keratosis palmoplantaris striata 3 (PPKS3). Also called: KERATODERMA, PALMOPLANTAR, STRIATE FORM III; STRIATE PALMOPLANTAR KERATODERMA III; KERATOSIS PALMOPLANTARIS STRIATA III. Identifiers: MedGen C2931123, MONDO:0011881, OMIM 607654.
Ichthyosis hystrix of Curth-Macklin. Also called: Ichthyosis histrix, curth-macklin type. Identifiers: Orphanet 79503, MedGen C1840296, MONDO:0007808, OMIM 146590.
Annular epidermolytic ichthyosis. Identifiers: Orphanet 281139, MedGen C1843463, MONDO:0011870.
Palmoplantar keratoderma, epidermolytic. Also called: Localized epidermolytic hyperkeratosis. Identifiers: MedGen C1721006, MONDO:0968949, HP:0007559.
Epidermolytic ichthyosis. Also called: Bullous ichthyosiform erythroderma; Epidermolytic Hyperkeratosis; Congenital bullous ichthyosiform erythroderma; KRT10-Related Epidermolytic Hyperkeratosis. Identifiers: Orphanet 312, MedGen C0079153, MONDO:0007239, HP:0007475.
Diffuse nonepidermolytic palmoplantar keratoderma (NEPPK). Also called: Nonepidermolytic palmoplantar keratoderma; Nonepidermolytic palmoplantar hyperkeratosis. Identifiers: Orphanet 530838, MedGen C1833030, MONDO:0010962, OMIM 600962, HP:0007404.

Allele frequency attached by ClinVar (database versions not stated): gnomAD exomes below 0.00001; TOPMed below 0.00001.
gnomAD v4.1: 2 of 1,614,060 alleles (0.00012%); highest among the groups gnomAD compares: Non-Finnish European, 0.00017%; no homozygotes.

Submissions (2):

GeneDx
Classification: Pathogenic. Last evaluated: 2023-05-26. Review status: criteria provided, single submitter. Criteria: GeneDx Variant Classification Process June 2021. Collection method: clinical testing. Allele origin: germline. Affected: yes.
Comment: Located in the highly conserved helix termination motif of the alpha-helical rod domain, which is intolerant to change; variants in this motif interfere with proper keratin intermediate filament assembly and function, resulting in skin fragility and/or hyperkeratosis (Chamcheu et al., 2011; Arin et al., 2011; Mirza et al. 2015); Not observed at significant frequency in large population cohorts (gnomAD); In silico analysis supports that this missense variant has a deleterious effect on protein structure/function; This variant is associated with the following publications: (PMID: 21176769, 21271994, 26176760, 30288772, 26582918, 24077912)

Fulgent Genetics
Classification: Likely pathogenic for Epidermolytic hyperkeratosis 1; Epidermolytic palmoplantar keratoderma, 1; Ichthyosis hystrix of Curth-Macklin; Diffuse nonepidermolytic palmoplantar keratoderma; Ichthyosis, annular epidermolytic 1; Keratosis palmoplantaris striata 3. Last evaluated: 2021-07-20. Review status: criteria provided, single submitter. Criteria: ACMG Guidelines, 2015. Collection method: clinical testing. Allele origin: unknown.

NM_006121.4(KRT1):c.1453C>T (p.Leu485Phe)

Gene: KRT1 (keratin 1; minus strand). Cytogenetic location: 12q13.13.
Variant type: single nucleotide variant.
Coding change: c.1453C>T on transcript NM_006121.4 (MANE Select); coding-DNA position 1453, C replaced by T.
Protein change: p.Leu485Phe; replaces leucine 485 with phenylalanine.
Molecular consequence: missense variant.
Genome position (GRCh38, 1-based): chr12:52,676,297, G>A on the plus strand (C>T on the coding strand, the complement: KRT1 is on the minus strand). VCF-style: chr12-52676297-G-A. GRCh37 (hg19) VCF-style: chr12-53070081-G-A.
Other names: short protein forms L485F.
Identifiers: ClinVar variation 432078 (VCV000432078.4), dbSNP rs1555171247, ClinGen allele CA384962234.